The following is an entry in ClinVar:

NM_015450.3(POT1):c.950-1G>A

Gene: POT1 (protection of telomeres 1; minus strand). Cytogenetic location: 7q31.33.
Variant type: single nucleotide variant.
Coding change: c.950-1G>A on transcript NM_015450.3 (MANE Select); the canonical splice acceptor site of the intron before coding-DNA position 950, G replaced by A.
Molecular consequence: splice acceptor variant.
Genome position (GRCh38, 1-based): chr7:124,846,999, C>T on the plus strand (G>A on the coding strand, the complement: POT1 is on the minus strand). VCF-style: chr7-124846999-C-T. GRCh37 (hg19) VCF-style: chr7-124487053-C-T.
Other names: c.557-1G>A (NM_001042594.2).
Identifiers: ClinVar variation 1767193 (VCV001767193.3), dbSNP rs2485418741, ClinGen allele CA369053871.

ClinVar aggregate classification (germline): Uncertain significance (1 of 4 stars; one submission).

Conditions:
Hereditary cancer-predisposing syndrome. Also called: Hereditary Cancer Syndrome; Hereditary neoplastic syndrome; Neoplastic Syndromes, Hereditary; Tumor predisposition. Identifiers: Orphanet 140162, MedGen C0027672, MeSH D009386, MONDO:0015356.

Submission:

Ambry Genetics
Classification: Uncertain significance for Hereditary cancer-predisposing syndrome. Last evaluated: 2025-06-17. Review status: criteria provided, single submitter. Criteria: Ambry Variant Classification Scheme 2023. Collection method: clinical testing. Allele origin: germline.
Comment: The c.950-1G>A intronic variant results from a G to A substitution one nucleotide upstream from coding exon 8 of the POT1 gene. Alterations that disrupt the canonical splice site are expected to cause aberrant splicing. In silico splice site analysis predicts that this alteration will weaken the native splice acceptor site. The resulting transcript is predicted to be in-frame and is not expected to trigger nonsense-mediated mRNA decay. RNA studies have demonstrated that this alteration results in a transcript predicted to lead to a protein with an in-frame deletion; however, the exact functional impact of the deleted amino acids is unknown at this time (Ambry internal data). This nucleotide position is highly conserved in available vertebrate species. Since supporting evidence is limited at this time, the clinical significance of this alteration remains unclear.